The following is an entry in ClinVar:

ClinVar aggregate classification (germline): Benign. Review status: criteria provided, multiple submitters, no conflicts (2 of 4 stars). 3 submissions from 3 submitters: Benign (2). 1 of the submissions does not count toward it. Last evaluated 2018-08-09.

Conditions:
ABCG1-related disorder. Also called: ABCG1-related condition.

Allele frequency attached by ClinVar (database versions not stated): 1000 Genomes Project 30x 0.02998; TOPMed 0.02720; gnomAD 0.02529 and 0.02693; ESP Exome Variant Server 0.02845; 1000 Genomes Project 0.02895.
gnomAD v4.1: 7,326 of 1,614,032 alleles (0.45%); highest among the groups gnomAD compares: African/African-American, 8.5%; 281 homozygotes.

Submissions (3):

Labcorp Genetics (formerly Invitae), Labcorp
Classification: Benign. Last evaluated: 2018-08-09. Review status: criteria provided, single submitter. Criteria: Invitae Variant Classification Sherloc (09022015). Collection method: clinical testing. Allele origin: germline.

Breakthrough Genomics
Classification: Benign. Review status: criteria provided, single submitter. Criteria: ACMG Guidelines, 2015. Collection method: not provided. Allele origin: germline. Inheritance: Unknown mechanism. Affected: yes.

PreventionGenetics, part of Exact Sciences
Classification: Benign for ABCG1-related condition. Last evaluated: 2019-11-26. Review status: no assertion criteria provided. Collection method: clinical testing. Allele origin: germline. Not counted in ClinVar's aggregate classification.
Comment: This variant is classified as benign based on ACMG/AMP sequence variant interpretation guidelines (Richards et al. 2015 PMID: 25741868, with internal and published modifications).

NM_016818.3(ABCG1):c.1368G>C (p.Ala456=)

Gene: ABCG1 (ATP binding cassette subfamily G member 1; plus strand). Cytogenetic location: 21q22.3.
Variant type: single nucleotide variant.
Coding change: c.1368G>C on transcript NM_016818.3 (MANE Select); coding-DNA position 1368, G replaced by C.
Protein change: p.Ala456=; no amino-acid change (alanine 456 retained).
Molecular consequence: synonymous variant.
Genome position (GRCh38, 1-based): chr21:42,290,193, G>C. VCF-style: chr21-42290193-G-C. GRCh37 (hg19) VCF-style: chr21-43710303-G-C.
Other names: c.1404G>C, p.Ala468= (NM_004915.4); c.1401G>C, p.Ala467= (NM_207174.1); c.1374G>C, p.Ala458= (NM_207627.2); c.1302G>C, p.Ala434= (NM_207628.1); c.1359G>C, p.Ala453= (NM_207629.2); c.1404G>C (NM_004915.3).
Identifiers: ClinVar variation 786373 (VCV000786373.6), dbSNP rs61735842, ClinGen allele CA10041409.
Genomic context (GRCh38, chr21:42,290,193, plus strand): 5'-CAAGAAGGTCTTGAGCAACTCCGGCTTCCTCTTCTTCTCCATGCTGTTCCTCATGTTCGC[G>C]GCCCTCATGCCTACTGTTCTGACATGTGAGTGACAGACCGCTGACCCCTTCTTCCTTATT-3'
Protein context (NP_058198.2, residues 446-466): LFFSMLFLMF[Ala456=]ALMPTVLTFP